The following is an entry in ClinVar:

NM_012331.5(MSRA):c.143-6_143-5del

Gene: MSRA (methionine sulfoxide reductase A). Cytogenetic location: 8p23.1.
Variant type: Deletion.
Coding change: c.143-6_143-5del on transcript NM_012331.5 (MANE Select); 6 bases into the intron before coding-DNA position 143 through 5 bases into the intron before coding-DNA position 143, this stretch deleted.
Molecular consequence: intron variant.
Genome position: GRCh38 VCF-style: chr8-10207815-CTT-C. GRCh37 (hg19) VCF-style: chr8-10065325-CTT-C.
Other names: c.143-6_143-5del (NM_001135670.3); c.-56-6_-56-5del (NM_001199729.3); c.14-6_14-5del (NM_001135671.3).
Identifiers: ClinVar variation 3038398 (VCV003038398.2), dbSNP rs77793822, ClinGen allele CA4622079.

ClinVar aggregate classification (germline): Likely benign (0 of 4 stars; one submission).

Conditions:
MSRA-related disorder. Also called: MSRA-related condition.

Submission:

PreventionGenetics, part of Exact Sciences
Classification: Likely benign for MSRA-related condition. Last evaluated: 2019-05-22. Review status: no assertion criteria provided. Collection method: clinical testing. Allele origin: germline.
Comment: This variant is classified as likely benign based on ACMG/AMP sequence variant interpretation guidelines (Richards et al. 2015 PMID: 25741868, with internal and published modifications).